The following is an entry in ClinVar:

NM_001374736.1(DST):c.16367C>T (p.Ser5456Phe)

Gene: DST (dystonin; minus strand). Cytogenetic location: 6p12.1.
Variant type: single nucleotide variant.
Coding change: c.16367C>T on transcript NM_001374736.1 (MANE Select); coding-DNA position 16367, C replaced by T.
Protein change: p.Ser5456Phe; replaces serine 5456 with phenylalanine.
Molecular consequence: missense variant.
Genome position (GRCh38, 1-based): chr6:56,552,425, G>A on the plus strand (C>T on the coding strand, the complement: DST is on the minus strand). VCF-style: chr6-56552425-G-A. GRCh37 (hg19) VCF-style: chr6-56417223-G-A.
Other names: c.10010C>T, p.Ser3337Phe (NM_001144769.5); c.9596C>T, p.Ser3199Phe (NM_001144770.2); c.16367C>T, p.Ser5456Phe (NM_001374722.1); c.15734C>T, p.Ser5245Phe (NM_001374729.1); c.9476C>T, p.Ser3159Phe (NM_001374730.1, NM_001386100.1, NM_183380.4); c.16394C>T, p.Ser5465Phe (NM_001374734.1); c.8498C>T, p.Ser2833Phe (NM_015548.5); short protein forms S3199F, S2833F, S3337F, S5456F, S3159F, S5465F, S5245F.
Identifiers: ClinVar variation 1757556 (VCV001757556.3), dbSNP rs1240644650, ClinGen allele CA364513758.
Genomic context (GRCh38, chr6:56,552,425, plus strand): 5'-AACTTGTTGCATTGTTTGCTTAAGGCCTCCAAGTCCCTTTTGATTCCAACAAGGTCAGGA[G>A]AGGTTTCTTCTGTGGCTAACATCATCTTGCAGGTTTTATTGGCATTGTCATTGCTTGCCA-3'
Protein context (NP_001361665.1, residues 5446-5466): CKMMLATEET[Ser5456Phe]PDLVGIKRDL

ClinVar aggregate classification (germline): Uncertain significance. Review status: criteria provided, multiple submitters, no conflicts (2 of 4 stars). 2 submissions from 2 submitters: Uncertain significance (2). Last evaluated 2024-06-23.

Conditions:
Epidermolysis bullosa simplex 3, localized or generalized intermediate, with BP230 deficiency (EBS3). Also called: Epidermolysis bullosa simplex due to BP230 deficiency; Epidermolysis bullosa simplex, autosomal recessive 2. Identifiers: Orphanet 412181, MedGen C3809470, MONDO:0014180, OMIM 615425.
Hereditary sensory and autonomic neuropathy type 6. Also called: HSAN VI; Neuropathy, hereditary sensory and autonomic, type VI. Identifiers: Orphanet 314381, MedGen C3539003, MONDO:0013839, OMIM 614653.
Inborn genetic diseases. Identifiers: MedGen C0950123, MeSH D030342.

Allele frequency attached by ClinVar (database versions not stated): gnomAD exomes below 0.00001; gnomAD 0.00001.
gnomAD v4.1: 4 of 1,613,840 alleles (0.00025%); highest among the groups gnomAD compares: Non-Finnish European, 0.00034%; no homozygotes.

Submissions (2):

Labcorp Genetics (formerly Invitae), Labcorp
Classification: Uncertain significance for Epidermolysis bullosa simplex 3, localized or generalized intermediate, with BP230 deficiency; Hereditary sensory and autonomic neuropathy type 6. Last evaluated: 2024-06-23. Review status: criteria provided, single submitter. Criteria: Invitae Variant Classification Sherloc (09022015). Collection method: clinical testing. Allele origin: germline.
Comment: The DST gene has multiple clinically relevant transcripts. This variant occurs in alternate transcript NM_015548.4, and corresponds to NM_001723.5:c.*63092C>T in the primary transcript. This sequence change replaces serine, which is neutral and polar, with phenylalanine, which is neutral and non-polar, at codon 2833 of the DST protein (p.Ser2833Phe). This variant is present in population databases (no rsID available, gnomAD 0.002%). This variant has not been reported in the literature in individuals affected with DST-related conditions. Experimental studies and prediction algorithms are not available or were not evaluated, and the functional significance of this variant is currently unknown. In summary, the available evidence is currently insufficient to determine the role of this variant in disease. Therefore, it has been classified as a Variant of Uncertain Significance.

Ambry Genetics
Classification: Uncertain significance for Inborn genetic diseases. Last evaluated: 2022-03-22. Review status: criteria provided, single submitter. Criteria: Ambry Variant Classification Scheme 2023. Collection method: clinical testing. Allele origin: germline.
Comment: The p.S3337F variant (also known as c.10010C>T), located in coding exon 55 of the DST gene, results from a C to T substitution at nucleotide position 10010. The serine at codon 3337 is replaced by phenylalanine, an amino acid with highly dissimilar properties. This amino acid position is well conserved in available vertebrate species. In addition, the in silico prediction for this alteration is inconclusive. Since supporting evidence is limited at this time, the clinical significance of this alteration remains unclear.